The following is an entry in ClinVar:

ClinVar aggregate classification (germline): Uncertain significance (1 of 4 stars; one submission).

gnomAD v4.1: 80 of 1,503,108 alleles (0.0053%); highest among the groups gnomAD compares: Middle Eastern, 0.018%; no homozygotes.

Submission:

Labcorp Genetics (formerly Invitae), Labcorp
Classification: Uncertain significance. Last evaluated: 2025-09-16. Review status: criteria provided, single submitter. Criteria: Invitae Variant Classification Sherloc (09022015). Collection method: clinical testing. Allele origin: germline.
Comment: This sequence change falls in intron 23 of the FOCAD gene. It does not directly change the encoded amino acid sequence of the FOCAD protein. It affects a nucleotide within the consensus splice site. The frequency data for this variant in the population databases is considered unreliable, as metrics indicate poor data quality at this position in the gnomAD database. This variant has not been reported in the literature in individuals affected with FOCAD-related conditions. Variants that disrupt the consensus splice site are a relatively common cause of aberrant splicing (PMID: 17576681, 9536098). Algorithms developed to predict the effect of sequence changes on RNA splicing suggest that this variant is not likely to affect RNA splicing. In summary, the available evidence is currently insufficient to determine the role of this variant in disease. Therefore, it has been classified as a Variant of Uncertain Significance.

Literature cited by the submitters: PubMed 17576681; PubMed 9536098.

NM_001375567.1(FOCAD):c.2625+3A>G

Gene: FOCAD (focadhesin; plus strand). Cytogenetic location: 9p21.3.
Variant type: single nucleotide variant.
Coding change: c.2625+3A>G on transcript NM_001375567.1 (MANE Select); 3 bases into the intron after coding-DNA position 2625, A replaced by G.
Molecular consequence: intron variant.
Genome position (GRCh38, 1-based): chr9:20,885,233, A>G. VCF-style: chr9-20885233-A-G. GRCh37 (hg19) VCF-style: chr9-20885232-A-G.
Other names: c.2625+3A>G (NM_017794.5); c.2520+3A>G (NM_001375568.1, NM_001375570.1).
Identifiers: ClinVar variation 4733704 (VCV004733704.1).